The following is an entry in ClinVar:

ClinVar aggregate classification (germline): Uncertain significance (1 of 4 stars; one submission).

Conditions:
Developmental and epileptic encephalopathy, 42 (DEE42A). Also called: DEVELOPMENTAL AND EPILEPTIC ENCEPHALOPATHY 42A; EPILEPTIC ENCEPHALOPATHY, EARLY INFANTILE, 42A; Epileptic encephalopathy, early infantile, 42. Identifiers: MedGen C4310716, MONDO:0014917, OMIM 617106.
Episodic ataxia type 2 (EA2). Also called: ACETAZOLAMIDE-RESPONSIVE HEREDITARY PAROXYSMAL CEREBELLAR ATAXIA; ATAXIA, EPISODIC, WITH NYSTAGMUS; ATAXIA, FAMILIAL PAROXYSMAL; CEREBELLAR ATAXIA, PAROXYSMAL, ACETAZOLAMIDE-RESPONSIVE; CEREBELLOPATHY, HEREDITARY PAROXYSMAL; EPISODIC ATAXIA, NYSTAGMUS-ASSOCIATED. Identifiers: Orphanet 97, MedGen C1720416, MONDO:0007163, OMIM 108500.

Allele frequency attached by ClinVar (database versions not stated): gnomAD exomes below 0.00001.
gnomAD v4.1: 1 of 1,498,458 alleles (0.000067%); highest among the groups gnomAD compares: Non-Finnish European, 0.000089%; no homozygotes.

Submission:

Labcorp Genetics (formerly Invitae), Labcorp
Classification: Uncertain significance for Developmental and epileptic encephalopathy, 42; Episodic ataxia type 2. Last evaluated: 2023-10-03. Review status: criteria provided, single submitter. Criteria: Invitae Variant Classification Sherloc (09022015). Collection method: clinical testing. Allele origin: germline.
Comment: This sequence change replaces glutamic acid, which is acidic and polar, with glycine, which is neutral and non-polar, at codon 971 of the CACNA1A protein (p.Glu971Gly). This variant is not present in population databases (gnomAD no frequency). This variant has not been reported in the literature in individuals affected with CACNA1A-related conditions. ClinVar contains an entry for this variant (Variation ID: 476246). Advanced modeling of protein sequence and biophysical properties (such as structural, functional, and spatial information, amino acid conservation, physicochemical variation, residue mobility, and thermodynamic stability) performed at Invitae indicates that this missense variant is not expected to disrupt CACNA1A protein function. In summary, the available evidence is currently insufficient to determine the role of this variant in disease. Therefore, it has been classified as a Variant of Uncertain Significance.

NM_001127222.2(CACNA1A):c.2909A>G (p.Glu970Gly)

Gene: CACNA1A (calcium voltage-gated channel subunit alpha1 A; minus strand). Cytogenetic location: 19p13.13.
Variant type: single nucleotide variant.
Coding change: c.2909A>G on transcript NM_001127222.2 (MANE Select); coding-DNA position 2909, A replaced by G.
Protein change: p.Glu970Gly; replaces glutamic acid 970 with glycine.
Molecular consequence: missense variant.
Genome position (GRCh38, 1-based): chr19:13,298,724, T>C on the plus strand (A>G on the coding strand, the complement: CACNA1A is on the minus strand). VCF-style: chr19-13298724-T-C. GRCh37 (hg19) VCF-style: chr19-13409538-T-C.
Other names: c.2921A>G, p.Glu974Gly (NM_000068.4, NM_023035.3); c.2912A>G, p.Glu971Gly (NM_001127221.2, NM_001174080.2); short protein forms E971G, E974G, E970G.
Identifiers: ClinVar variation 476246 (VCV000476246.11), dbSNP rs1555755916, ClinGen allele CA404342471.